The following is an entry in ClinVar:

NC_000022.11:g.40345930C>T

Gene: ADSL (adenylosuccinate lyase; plus strand). Cytogenetic location: 22q13.1.
Variant type: single nucleotide variant.
Genome position: GRCh38 VCF-style: chr22-40345930-C-T. GRCh37 (hg19) VCF-style: chr22-40741934-C-T.
Identifiers: ClinVar variation 1942671 (VCV001942671.5), dbSNP rs1465866712, ClinGen allele CA753179741.

ClinVar aggregate classification (germline): Uncertain significance (1 of 4 stars; one submission).

Conditions:
Adenylosuccinate lyase deficiency (ADSLD). Also called: ADSL DEFICIENCY. Identifiers: Orphanet 46, MedGen C0268126, MONDO:0007068, OMIM 103050.

Allele frequency attached by ClinVar (database versions not stated): gnomAD 0.00001; TOPMed 0.00001.

Submission:

Labcorp Genetics (formerly Invitae), Labcorp
Classification: Uncertain significance for Adenylosuccinate lyase deficiency. Last evaluated: 2022-05-05. Review status: criteria provided, single submitter. Criteria: Invitae Variant Classification Sherloc (09022015). Collection method: clinical testing. Allele origin: germline.
Comment: In summary, the available evidence is currently insufficient to determine the role of this variant in disease. Therefore, it has been classified as a Variant of Uncertain Significance. Experimental studies and prediction algorithms are not available or were not evaluated, and the functional significance of this variant is currently unknown. This variant has not been reported in the literature in individuals affected with ADSL-related conditions. This variant is not present in population databases (gnomAD no frequency). This variant occurs in a non-coding region of the ADSL gene. It does not change the encoded amino acid sequence of the ADSL protein.